The following is an entry in ClinVar:

NM_138459.5(NUS1):c.370T>A (p.Cys124Ser)

Gene: NUS1 (NUS1 dehydrodolichyl diphosphate synthase subunit; plus strand). Cytogenetic location: 6q22.1.
Variant type: single nucleotide variant.
Coding change: c.370T>A on transcript NM_138459.5 (MANE Select); coding-DNA position 370, T replaced by A.
Protein change: p.Cys124Ser; replaces cysteine 124 with serine.
Molecular consequence: missense variant.
Genome position (GRCh38, 1-based): chr6:117,676,040, T>A. VCF-style: chr6-117676040-T-A. GRCh37 (hg19) VCF-style: chr6-117997203-T-A.
Other names: short protein forms C124S.
Identifiers: ClinVar variation 2063804 (VCV002063804.4), dbSNP rs2481983858, ClinGen allele CA365536472.

ClinVar aggregate classification (germline): Uncertain significance (1 of 4 stars; one submission).

Conditions:
Congenital disorder of glycosylation, type Iaa. Also called: Congenital disorder of glycosylation, type 1aa. Identifiers: MedGen C4310727, MONDO:0014904, OMIM 617082.

Submission:

Labcorp Genetics (formerly Invitae), Labcorp
Classification: Uncertain significance for Congenital disorder of glycosylation, type Iaa. Last evaluated: 2022-08-16. Review status: criteria provided, single submitter. Criteria: Invitae Variant Classification Sherloc (09022015). Collection method: clinical testing. Allele origin: germline.
Comment: In summary, the available evidence is currently insufficient to determine the role of this variant in disease. Therefore, it has been classified as a Variant of Uncertain Significance. Algorithms developed to predict the effect of missense changes on protein structure and function (SIFT, PolyPhen-2, Align-GVGD) all suggest that this variant is likely to be tolerated. This variant has not been reported in the literature in individuals affected with NUS1-related conditions. This variant is not present in population databases (gnomAD no frequency). This sequence change replaces cysteine, which is neutral and slightly polar, with serine, which is neutral and polar, at codon 124 of the NUS1 protein (p.Cys124Ser).